The following is an entry in ClinVar:

ClinVar aggregate classification (germline): Uncertain significance. Review status: criteria provided, multiple submitters, no conflicts (2 of 4 stars). 5 submissions from 4 submitters: Uncertain significance (5). Last evaluated 2024-01-22.

Conditions:
Retinitis pigmentosa 35 (RP35). Identifiers: Orphanet 791, MedGen C1853214, MONDO:0012463, OMIM 610282.
Cone-rod dystrophy 10 (CORD10). Identifiers: Orphanet 1872, MedGen C1846529, MONDO:0012464, OMIM 610283.

Allele frequency attached by ClinVar (database versions not stated): ExAC 0.00002; gnomAD exomes 0.00002; TOPMed 0.00005; ESP Exome Variant Server 0.00015.
gnomAD v4.1: 35 of 1,613,984 alleles (0.0022%); highest among the groups gnomAD compares: Non-Finnish European, 0.0028%; no homozygotes.

Submissions (5):

Labcorp Genetics (formerly Invitae), Labcorp
Classification: Uncertain significance. Last evaluated: 2024-01-22. Review status: criteria provided, single submitter. Criteria: Invitae Variant Classification Sherloc (09022015). Collection method: clinical testing. Allele origin: germline.
Comment: This sequence change replaces valine, which is neutral and non-polar, with isoleucine, which is neutral and non-polar, at codon 663 of the SEMA4A protein (p.Val663Ile). This variant is present in population databases (rs202048433, gnomAD 0.004%). This variant has not been reported in the literature in individuals affected with SEMA4A-related conditions. ClinVar contains an entry for this variant (Variation ID: 862983). An algorithm developed to predict the effect of missense changes on protein structure and function (PolyPhen-2) suggests that this variant is likely to be tolerated. In summary, the available evidence is currently insufficient to determine the role of this variant in disease. Therefore, it has been classified as a Variant of Uncertain Significance.

Blueprint Genetics
Classification: Uncertain significance. Last evaluated: 2024-01-02. Review status: criteria provided, single submitter. Criteria: ACMG Guidelines, 2015. Collection method: clinical testing. Allele origin: germline.

Genome-Nilou Lab
Classification: Uncertain significance for Cone-rod dystrophy 10. Last evaluated: 2023-04-11. Review status: criteria provided, single submitter. Criteria: ACMG Guidelines, 2015. Collection method: clinical testing. Allele origin: germline. Affected: no.

Genome-Nilou Lab
Classification: Uncertain significance for Retinitis pigmentosa 35. Last evaluated: 2023-04-11. Review status: criteria provided, single submitter. Criteria: ACMG Guidelines, 2015. Collection method: clinical testing. Allele origin: germline. Affected: no.

Ambry Genetics
Classification: Uncertain significance. Last evaluated: 2023-04-04. Review status: criteria provided, single submitter. Criteria: Ambry Variant Classification Scheme 2023. Collection method: clinical testing. Allele origin: germline.

NM_022367.4(SEMA4A):c.1987G>A (p.Val663Ile)

Gene: SEMA4A (semaphorin 4A; plus strand). Cytogenetic location: 1q22.
Variant type: single nucleotide variant.
Coding change: c.1987G>A on transcript NM_022367.4 (MANE Select); coding-DNA position 1987, G replaced by A.
Protein change: p.Val663Ile; replaces valine 663 with isoleucine.
Molecular consequence: missense variant.
Genome position (GRCh38, 1-based): chr1:156,176,698, G>A. VCF-style: chr1-156176698-G-A. GRCh37 (hg19) VCF-style: chr1-156146489-G-A.
Other names: c.1987G>A, p.Val663Ile (NM_001193300.2, NM_001193301.2, NM_001370567.1); c.1591G>A, p.Val531Ile (NM_001193302.2); c.1690G>A, p.Val564Ile (NM_001370568.1); c.1480G>A, p.Val494Ile (NM_001370569.1, NM_001370571.1); short protein forms V494I, V531I, V663I, V564I.
Identifiers: ClinVar variation 862983 (VCV000862983.13), dbSNP rs202048433, ClinGen allele CA1155497.